The following is an entry in ClinVar:

ClinVar aggregate classification (germline): Uncertain significance (1 of 4 stars; one submission).

Conditions:
Hyperphosphatasia with impaired intellectual development syndrome 2. Also called: Hyperphosphatasia with intellectual disability syndrome 2; GLYCOSYLPHOSPHATIDYLINOSITOL BIOSYNTHESIS DEFECT 6. Identifiers: Orphanet 247262, MedGen C3553637, MONDO:0013882, OMIM 614749.

Allele frequency attached by ClinVar (database versions not stated): gnomAD exomes below 0.00001.

Submission:

Labcorp Genetics (formerly Invitae), Labcorp
Classification: Uncertain significance for Hyperphosphatasia with impaired intellectual development syndrome 2. Last evaluated: 2022-08-23. Review status: criteria provided, single submitter. Criteria: Invitae Variant Classification Sherloc (09022015). Collection method: clinical testing. Allele origin: germline.
Comment: In summary, the available evidence is currently insufficient to determine the role of this variant in disease. Therefore, it has been classified as a Variant of Uncertain Significance. Algorithms developed to predict the effect of missense changes on protein structure and function are either unavailable or do not agree on the potential impact of this missense change (SIFT: "Tolerated"; PolyPhen-2: "Possibly Damaging"; Align-GVGD: "Class C0"). ClinVar contains an entry for this variant (Variation ID: 1386001). This variant has not been reported in the literature in individuals affected with PIGO-related conditions. This variant is not present in population databases (gnomAD no frequency). This sequence change replaces leucine, which is neutral and non-polar, with valine, which is neutral and non-polar, at codon 949 of the PIGO protein (p.Leu949Val).

NM_032634.4(PIGO):c.2845C>G (p.Leu949Val)

Gene: PIGO (phosphatidylinositol glycan anchor biosynthesis class O; minus strand). Cytogenetic location: 9p13.3.
Variant type: single nucleotide variant.
Coding change: c.2845C>G on transcript NM_032634.4 (MANE Select); coding-DNA position 2845, C replaced by G.
Protein change: p.Leu949Val; replaces leucine 949 with valine.
Molecular consequence: missense variant.
Genome position (GRCh38, 1-based): chr9:35,090,475, G>C on the plus strand (C>G on the coding strand, the complement: PIGO is on the minus strand). VCF-style: chr9-35090475-G-C. GRCh37 (hg19) VCF-style: chr9-35090472-G-C.
Other names: c.1594C>G, p.Leu532Val (NM_001201484.2, NM_152850.4); short protein forms L532V, L949V.
Identifiers: ClinVar variation 1386001 (VCV001386001.8), dbSNP rs2131071575, ClinGen allele CA373318058.